The following is an entry in ClinVar:

NM_001127208.3(TET2):c.116C>T (p.Pro39Leu)

Genes: TET2 (tet methylcytosine dioxygenase 2; plus strand), TET2-AS1 (TET2 antisense RNA 1; minus strand). Cytogenetic location: 4q24.
Variant type: single nucleotide variant.
Coding change: c.116C>T on transcript NM_001127208.3 (MANE Select); coding-DNA position 116, C replaced by T.
Protein change: p.Pro39Leu; replaces proline 39 with leucine.
Molecular consequence: missense variant.
Genome position (GRCh38, 1-based): chr4:105,234,058, C>T. VCF-style: chr4-105234058-C-T. GRCh37 (hg19) VCF-style: chr4-106155215-C-T.
Other names: c.116C>T, p.Pro39Leu (NM_017628.4); short protein forms P39L.
Identifiers: ClinVar variation 2002693 (VCV002002693.5), dbSNP rs1439284477, ClinGen allele CA357790469.

ClinVar aggregate classification (germline): Uncertain significance. Review status: criteria provided, multiple submitters, no conflicts (2 of 4 stars). 2 submissions from 2 submitters: Uncertain significance (2). Last evaluated 2025-03-01.

Allele frequency attached by ClinVar (database versions not stated): gnomAD exomes below 0.00001; TOPMed below 0.00001; gnomAD 0.00001.

Submissions (2):

Ambry Genetics
Classification: Uncertain significance. Last evaluated: 2025-03-01. Review status: criteria provided, single submitter. Criteria: Ambry Variant Classification Scheme 2023. Collection method: clinical testing. Allele origin: germline.
Comment: The p.P39L variant (also known as c.116C>T), located in coding exon 1 of the TET2 gene, results from a C to T substitution at nucleotide position 116. The proline at codon 39 is replaced by leucine, an amino acid with similar properties. This amino acid position is conserved. In addition, this alteration is predicted to be deleterious by in silico analysis. Based on the available evidence, the clinical significance of this variant remains unclear.

Labcorp Genetics (formerly Invitae), Labcorp
Classification: Uncertain significance. Last evaluated: 2022-06-07. Review status: criteria provided, single submitter. Criteria: Invitae Variant Classification Sherloc (09022015). Collection method: clinical testing. Allele origin: germline.
Comment: This sequence change replaces proline, which is neutral and non-polar, with leucine, which is neutral and non-polar, at codon 39 of the TET2 protein (p.Pro39Leu). This variant is present in population databases (no rsID available, gnomAD 0.008%). This variant has not been reported in the literature in individuals affected with TET2-related conditions. Algorithms developed to predict the effect of missense changes on protein structure and function are either unavailable or do not agree on the potential impact of this missense change (SIFT: "Deleterious"; PolyPhen-2: "Probably Damaging"; Align-GVGD: "Class C0"). In summary, the available evidence is currently insufficient to determine the role of this variant in disease. Therefore, it has been classified as a Variant of Uncertain Significance.